The following is an entry in ClinVar:

ClinVar aggregate classification (germline): Uncertain significance (1 of 4 stars; one submission).

Allele frequency attached by ClinVar (database versions not stated): gnomAD 0.00001; TOPMed 0.00001.

Submission:

Labcorp Genetics (formerly Invitae), Labcorp
Classification: Uncertain significance. Last evaluated: 2023-08-02. Review status: criteria provided, single submitter. Criteria: Invitae Variant Classification Sherloc (09022015). Collection method: clinical testing. Allele origin: germline.
Comment: This sequence change replaces leucine, which is neutral and non-polar, with phenylalanine, which is neutral and non-polar, at codon 230 of the TUBA8 protein (p.Leu230Phe). In summary, the available evidence is currently insufficient to determine the role of this variant in disease. Therefore, it has been classified as a Variant of Uncertain Significance. Advanced modeling of protein sequence and biophysical properties (such as structural, functional, and spatial information, amino acid conservation, physicochemical variation, residue mobility, and thermodynamic stability) has been performed at Invitae for this missense variant, however the output from this modeling did not meet the statistical confidence thresholds required to predict the impact of this variant on TUBA8 protein function. This variant has not been reported in the literature in individuals affected with TUBA8-related conditions. This variant is present in population databases (no rsID available, gnomAD 0.007%).

NM_018943.3(TUBA8):c.688C>T (p.Leu230Phe)

Gene: TUBA8 (tubulin alpha 8; plus strand). Cytogenetic location: 22q11.21.
Variant type: single nucleotide variant.
Coding change: c.688C>T on transcript NM_018943.3 (MANE Select); coding-DNA position 688, C replaced by T.
Protein change: p.Leu230Phe; replaces leucine 230 with phenylalanine.
Molecular consequence: missense variant.
Genome position (GRCh38, 1-based): chr22:18,126,666, C>T. VCF-style: chr22-18126666-C-T. GRCh37 (hg19) VCF-style: chr22-18609433-C-T.
Other names: c.490C>T, p.Leu164Phe (NM_001193414.2); short protein forms L230F, L164F.
Identifiers: ClinVar variation 2749558 (VCV002749558.3), dbSNP rs1263829045, ClinGen allele CA410263642.
Genomic context (GRCh38, chr22:18,126,666, plus strand): 5'-TATGACATCTGCCGCAGGAACCTTGACATTGAGCGCCCTACCTATACCAACCTCAACCGC[C>T]TCATCAGTCAGATTGTGTCCTCAATCACTGCTTCTCTCCGCTTTGACGGGGCCCTCAATG-3'
Protein context (NP_061816.1, residues 220-240): ERPTYTNLNR[Leu230Phe]ISQIVSSITA